The following is an entry in ClinVar:

ClinVar aggregate classification (germline): Likely benign. Review status: criteria provided, multiple submitters, no conflicts (2 of 4 stars). 3 submissions from 3 submitters: Likely benign (3). Last evaluated 2026-01-28.

Conditions:
COL9A3-related disorder. Also called: COL9A3-related condition.

Allele frequency attached by ClinVar (database versions not stated): gnomAD exomes 0.00008; ExAC 0.00010; TOPMed 0.00011; gnomAD 0.00012 and 0.00013; ESP Exome Variant Server 0.00015.
gnomAD v4.1: 175 of 1,612,804 alleles (0.011%); highest among the groups gnomAD compares: Middle Eastern, 0.033%; no homozygotes.

Submissions (3):

Labcorp Genetics (formerly Invitae), Labcorp
Classification: Likely benign. Last evaluated: 2026-01-28. Review status: criteria provided, single submitter. Criteria: Invitae Variant Classification Sherloc (09022015). Collection method: clinical testing. Allele origin: germline.

PreventionGenetics, part of Exact Sciences
Classification: Likely benign for COL9A3-related condition. Last evaluated: 2025-01-07. Review status: criteria provided, single submitter. Criteria: ACMG Guidelines, 2015. Collection method: clinical testing. Allele origin: germline.
Comment: This variant is classified as likely benign based on ACMG/AMP sequence variant interpretation guidelines (Richards et al. 2015 PMID: 25741868, with internal and published modifications).

Blueprint Genetics
Classification: Likely benign. Last evaluated: 2024-10-23. Review status: criteria provided, single submitter. Criteria: ACMG Guidelines, 2015. Collection method: clinical testing. Allele origin: germline.

NM_001853.4(COL9A3):c.1689G>A (p.Gly563=)

Gene: COL9A3 (collagen type IX alpha 3 chain; plus strand). Cytogenetic location: 20q13.33.
Variant type: single nucleotide variant.
Coding change: c.1689G>A on transcript NM_001853.4 (MANE Select); coding-DNA position 1689, G replaced by A.
Protein change: p.Gly563=; no amino-acid change (glycine 563 retained).
Molecular consequence: synonymous variant.
Genome position (GRCh38, 1-based): chr20:62,837,168, G>A. VCF-style: chr20-62837168-G-A. GRCh37 (hg19) VCF-style: chr20-61468520-G-A.
Other names: c.1689G>A (NM_001853.3).
Identifiers: ClinVar variation 1596395 (VCV001596395.10), dbSNP rs143244629, ClinGen allele CA9950153.
Genomic context (GRCh38, chr20:62,837,168, plus strand): 5'-CCTAAGGAAGCCTTTGGCACCCGGGTCCATTGGTCGGCCCGGTCCAGCTGGCCCCCCTGG[G>A]CCCCCAGGACCCCCAGGCTCCATTGGTCACCCTGGCGCTCGAGGACCCCCTGGATACCGC-3'
Protein context (NP_001844.3, residues 553-573): IGRPGPAGPP[Gly563=]PPGPPGSIGH